The following is an entry in ClinVar:

ClinVar aggregate classification (germline): Uncertain significance (1 of 4 stars; one submission).

Submission:

GeneDx
Classification: Uncertain significance. Last evaluated: 2024-01-25. Review status: criteria provided, single submitter. Criteria: GeneDx Variant Classification Process June 2021. Collection method: clinical testing. Allele origin: germline. Affected: yes.
Comment: Not observed at significant frequency in large population cohorts (gnomAD); In silico analysis supports that this missense variant has a deleterious effect on protein structure/function; Has not been previously published as pathogenic or benign to our knowledge

NM_138927.4(SON):c.5590C>G (p.Arg1864Gly)

Gene: SON (SON DNA and RNA binding protein; plus strand). Cytogenetic location: 21q22.11.
Variant type: single nucleotide variant.
Coding change: c.5590C>G on transcript NM_138927.4 (MANE Select); coding-DNA position 5590, C replaced by G.
Protein change: p.Arg1864Gly; replaces arginine 1864 with glycine.
Molecular consequence: missense variant. On other transcripts: non-coding transcript variant (1), intron variant (1).
Genome position (GRCh38, 1-based): chr21:33,554,821, C>G. VCF-style: chr21-33554821-C-G. GRCh37 (hg19) VCF-style: chr21-34927127-C-G.
Other names: c.5590C>G, p.Arg1864Gly (NM_001291411.2, NM_032195.3); c.245-2335C>G (NM_001291412.3); short protein forms R1864G.
Identifiers: ClinVar variation 3368292 (VCV003368292.1).